The following is an entry in ClinVar:

ClinVar aggregate classification (germline): Uncertain significance. Review status: criteria provided, multiple submitters, no conflicts (2 of 4 stars). 3 submissions from 3 submitters: Uncertain significance (2). 1 of the submissions does not count toward it. Last evaluated 2025-05-24.

Conditions:
Cardiovascular phenotype. Identifiers: MedGen CN230736.
ANK2-related disorder. Also called: ANK2-related condition.
Long QT syndrome (LQTS). Identifiers: MedGen C0023976, MeSH D008133, MONDO:0002442. Disease mechanism: loss of function. Inheritance: Various modes of inheritance.

Allele frequency attached by ClinVar (database versions not stated): gnomAD exomes below 0.00001; TOPMed 0.00001.
gnomAD v4.1: 3 of 1,613,984 alleles (0.00019%); highest among the groups gnomAD compares: African/African-American, 0.004%; no homozygotes.

Submissions (3):

Ambry Genetics
Classification: Uncertain significance for Cardiovascular phenotype. Last evaluated: 2025-05-24. Review status: criteria provided, single submitter. Criteria: Ambry Variant Classification Scheme 2023. Collection method: clinical testing. Allele origin: germline.
Comment: The p.A571S variant (also known as c.1711G>T), located in coding exon 16 of the ANK2 gene, results from a G to T substitution at nucleotide position 1711. The alanine at codon 571 is replaced by serine, an amino acid with similar properties. This amino acid position is conserved. In addition, the in silico prediction for this alteration is inconclusive. Based on the available evidence, the clinical significance of this variant remains unclear.

Labcorp Genetics (formerly Invitae), Labcorp
Classification: Uncertain significance for Long QT syndrome. Last evaluated: 2024-03-26. Review status: criteria provided, single submitter. Criteria: Invitae Variant Classification Sherloc (09022015). Collection method: clinical testing. Allele origin: germline.
Comment: This sequence change replaces alanine, which is neutral and non-polar, with serine, which is neutral and polar, at codon 571 of the ANK2 protein (p.Ala571Ser). This variant is not present in population databases (gnomAD no frequency). This variant has not been reported in the literature in individuals affected with ANK2-related conditions. ClinVar contains an entry for this variant (Variation ID: 956026). Advanced modeling of protein sequence and biophysical properties (such as structural, functional, and spatial information, amino acid conservation, physicochemical variation, residue mobility, and thermodynamic stability) performed at Invitae indicates that this missense variant is not expected to disrupt ANK2 protein function with a negative predictive value of 80%. In summary, the available evidence is currently insufficient to determine the role of this variant in disease. Therefore, it has been classified as a Variant of Uncertain Significance.

PreventionGenetics, part of Exact Sciences
Classification: Uncertain significance for ANK2-related condition. Last evaluated: 2023-12-01. Review status: no assertion criteria provided. Collection method: clinical testing. Allele origin: germline. Not counted in ClinVar's aggregate classification.
Comment: The ANK2 c.1711G>T variant is predicted to result in the amino acid substitution p.Ala571Ser. To our knowledge, this variant has not been reported in the literature or in a large population database, indicating this variant is rare. At this time, the clinical significance of this variant is uncertain due to the absence of conclusive functional and genetic evidence.

NM_001148.6(ANK2):c.1711G>T (p.Ala571Ser)

Gene: ANK2 (ankyrin 2; plus strand). Cytogenetic location: 4q26.
Variant type: single nucleotide variant.
Coding change: c.1711G>T on transcript NM_001148.6 (MANE Select); coding-DNA position 1711, G replaced by T.
Protein change: p.Ala571Ser; replaces alanine 571 with serine.
Molecular consequence: missense variant.
Genome position (GRCh38, 1-based): chr4:113,277,864, G>T. VCF-style: chr4-113277864-G-T. GRCh37 (hg19) VCF-style: chr4-114199020-G-T.
Other names: c.1648G>T, p.Ala550Ser (NM_001127493.3, NM_001354239.2, NM_001354243.2 and 14 more transcripts); c.1711G>T, p.Ala571Ser (NM_001354225.2, NM_001354228.2, NM_001354232.2 and 8 more transcripts); c.1756G>T, p.Ala586Ser (NM_001354230.2, NM_001354231.2, NM_001354237.2 and 5 more transcripts); c.1624G>T, p.Ala542Ser (NM_001354249.2, NM_001354260.2, NM_001354264.2 and 13 more transcripts); c.1669G>T, p.Ala557Ser (NM_001354261.2, NM_001386147.1, NM_001386160.1); c.1501G>T, p.Ala501Ser (NM_001354269.3); c.1513G>T, p.Ala505Ser (NM_001354273.2); c.1426G>T, p.Ala476Ser (NM_001354277.2, NM_001386157.1, NM_001386158.1); and 4 more; short protein forms A501S, A505S, A550S, A586S, A557S, A476S, A542S, A571S.
Identifiers: ClinVar variation 956026 (VCV000956026.9), dbSNP rs1400057725, ClinGen allele CA357910753.